The following is an entry in ClinVar:

NM_000528.4(MAN2B1):c.1337A>C (p.His446Pro)

Gene: MAN2B1 (mannosidase alpha class 2B member 1; minus strand). Cytogenetic location: 19p13.13.
Variant type: single nucleotide variant.
Coding change: c.1337A>C on transcript NM_000528.4 (MANE Select); coding-DNA position 1337, A replaced by C.
Protein change: p.His446Pro; replaces histidine 446 with proline.
Molecular consequence: missense variant.
Genome position (GRCh38, 1-based): chr19:12,657,528, T>G on the plus strand (A>C on the coding strand, the complement: MAN2B1 is on the minus strand). VCF-style: chr19-12657528-T-G. GRCh37 (hg19) VCF-style: chr19-12768342-T-G.
Other names: c.1337A>C (NM_000528.3); c.1334A>C, p.His445Pro (NM_001173498.2); short protein forms H445P, H446P.
Identifiers: ClinVar variation 1406248 (VCV001406248.9), dbSNP rs1470391256, ClinGen allele CA404246957.

ClinVar aggregate classification (germline): Uncertain significance. Review status: criteria provided, multiple submitters, no conflicts (2 of 4 stars). 2 submissions from 2 submitters: Uncertain significance (2). Last evaluated 2024-10-08.

Conditions:
Deficiency of alpha-mannosidase (MANSA). Also called: Mannosidosis, alpha-, types I and II; Alpha-Mannosidosis; LYSOSOMAL ALPHA-D-MANNOSIDASE DEFICIENCY. Identifiers: Orphanet 61, MedGen C0024748, MONDO:0009561, OMIM 248500.

Allele frequency attached by ClinVar (database versions not stated): gnomAD 0.00001.
gnomAD v4.1: 2 of 1,565,412 alleles (0.00013%); highest among the groups gnomAD compares: African/African-American, 0.0027%; no homozygotes.

Submissions (2):

GeneDx
Classification: Uncertain significance. Last evaluated: 2024-10-08. Review status: criteria provided, single submitter. Criteria: GeneDx Variant Classification Process June 2021. Collection method: clinical testing. Allele origin: germline. Affected: yes.
Comment: Not observed at significant frequency in large population cohorts (gnomAD); In silico analysis supports that this missense variant has a deleterious effect on protein structure/function; Has not been previously published as pathogenic or benign to our knowledge

Labcorp Genetics (formerly Invitae), Labcorp
Classification: Uncertain significance for Deficiency of alpha-mannosidase. Last evaluated: 2023-12-19. Review status: criteria provided, single submitter. Criteria: Invitae Variant Classification Sherloc (09022015). Collection method: clinical testing. Allele origin: germline.
Comment: This sequence change replaces histidine, which is basic and polar, with proline, which is neutral and non-polar, at codon 446 of the MAN2B1 protein (p.His446Pro). This variant is present in population databases (no rsID available, gnomAD 0.01%). This variant has not been reported in the literature in individuals affected with MAN2B1-related conditions. ClinVar contains an entry for this variant (Variation ID: 1406248). Advanced modeling of protein sequence and biophysical properties (such as structural, functional, and spatial information, amino acid conservation, physicochemical variation, residue mobility, and thermodynamic stability) has been performed at Invitae for this missense variant, however the output from this modeling did not meet the statistical confidence thresholds required to predict the impact of this variant on MAN2B1 protein function. In summary, the available evidence is currently insufficient to determine the role of this variant in disease. Therefore, it has been classified as a Variant of Uncertain Significance.